The following is an entry in ClinVar:

NM_000152.5(GAA):c.118C>G (p.Arg40Gly)

Gene: GAA (alpha glucosidase; plus strand). Cytogenetic location: 17q25.3.
Variant type: single nucleotide variant.
Coding change: c.118C>G on transcript NM_000152.5 (MANE Select); coding-DNA position 118, C replaced by G.
Protein change: p.Arg40Gly; replaces arginine 40 with glycine.
Molecular consequence: missense variant.
Genome position (GRCh38, 1-based): chr17:80,104,704, C>G. VCF-style: chr17-80104704-C-G. GRCh37 (hg19) VCF-style: chr17-78078503-C-G.
Other names: c.118C>G, p.Arg40Gly (NM_001079803.3, NM_001079804.3); short protein forms R40G.
Identifiers: ClinVar variation 841599 (VCV000841599.7), dbSNP rs767409395, ClinGen allele CA401360283.

ClinVar aggregate classification (germline): Uncertain significance (1 of 4 stars; one submission).

Conditions:
Glycogen storage disease, type II (IOPD). Also called: Glucosidase acid-1,4-alpha deficiency; Pompe Disease; POMPE DISEASE, INFANTILE-ONSET; GLYCOGEN STORAGE DISEASE II, INFANTILE-ONSET; ACID ALPHA-GLUCOSIDASE DEFICIENCY, INFANTILE-ONSET; GAA DEFICIENCY, INFANTILE-ONSET. Identifiers: Orphanet 365, MedGen C0017921, MONDO:0009290, OMIM 232300.

gnomAD v4.1: 1 of 1,613,036 alleles (0.000062%); highest among the groups gnomAD compares: Non-Finnish European, 0.000085%; no homozygotes.

Submission:

Labcorp Genetics (formerly Invitae), Labcorp
Classification: Uncertain significance for Glycogen storage disease, type II. Last evaluated: 2021-08-27. Review status: criteria provided, single submitter. Criteria: Invitae Variant Classification Sherloc (09022015). Collection method: clinical testing. Allele origin: germline.
Comment: This sequence change replaces arginine with glycine at codon 40 of the GAA protein (p.Arg40Gly). The arginine residue is moderately conserved and there is a moderate physicochemical difference between arginine and glycine. This variant is not present in population databases (ExAC no frequency). This variant has not been reported in the literature in individuals affected with GAA-related conditions. Algorithms developed to predict the effect of missense changes on protein structure and function are either unavailable or do not agree on the potential impact of this missense change (SIFT: "Deleterious"; PolyPhen-2: "Benign"; Align-GVGD: "Class C0"). In summary, the available evidence is currently insufficient to determine the role of this variant in disease. Therefore, it has been classified as a Variant of Uncertain Significance.